The following is an entry in ClinVar:

ClinVar aggregate classification (germline): Conflicting classifications of pathogenicity. Review status: criteria provided, conflicting classifications (1 of 4 stars). 8 submissions from 8 submitters: Uncertain significance (2); Likely benign (4). 2 of the submissions do not count toward it. Last evaluated 2026-04-01.

Conditions:
Familial temporal lobe epilepsy 7. Identifiers: Orphanet 101046, MedGen C4225327, MONDO:0014639, OMIM 616436.
Norman-Roberts syndrome (LIS2). Also called: Lissencephaly 2 (Norman-Roberts type). Identifiers: Orphanet 89844, MedGen C0796089, MONDO:0009760, OMIM 257320.

Allele frequency attached by ClinVar (database versions not stated): gnomAD exomes 0.00007 and 0.00013; ExAC 0.00016; ESP Exome Variant Server 0.00031; 1000 Genomes Project 30x 0.00047; TOPMed 0.00049; gnomAD 0.00054 and 0.00058; 1000 Genomes Project 0.00060.
gnomAD v4.1: 205 of 1,614,004 alleles (0.013%); highest among the groups gnomAD compares: African/African-American, 0.22%; 3 homozygotes.

Submissions (8):

CeGaT Center for Human Genetics Tuebingen
Classification: Likely benign. Last evaluated: 2026-04-01. Review status: criteria provided, single submitter. Criteria: CeGaT Center For Human Genetics Tuebingen Variant Classification Criteria Version 2. Collection method: clinical testing. Allele origin: germline. Affected: yes. Observed: 2 variant alleles.
Comment: RELN: BP4, BP7

Labcorp Genetics (formerly Invitae), Labcorp
Classification: Likely benign for Familial temporal lobe epilepsy 7; Norman-Roberts syndrome. Last evaluated: 2026-01-28. Review status: criteria provided, single submitter. Criteria: Invitae Variant Classification Sherloc (09022015). Collection method: clinical testing. Allele origin: germline.

Blueprint Genetics
Classification: Likely benign. Last evaluated: 2024-09-16. Review status: criteria provided, single submitter. Criteria: ACMG Guidelines, 2015. Collection method: clinical testing. Allele origin: germline.

GeneDx
Classification: Likely benign. Last evaluated: 2020-04-24. Review status: criteria provided, single submitter. Criteria: GeneDx Variant Classification Process June 2021. Collection method: clinical testing. Allele origin: germline. Affected: yes.

Eurofins Ntd Llc (ga)
Classification: Uncertain significance. Last evaluated: 2018-01-10. Review status: criteria provided, single submitter. Criteria: EGL Classification Definitions 2015. Collection method: clinical testing. Allele origin: germline. Observed: 2 variant alleles, 2 heterozygotes.

Genetic Services Laboratory, University of Chicago
Classification: Uncertain significance. Last evaluated: 2014-10-09. Review status: criteria provided, single submitter. Criteria: ACMG Guidelines, 2015. Collection method: clinical testing. Allele origin: germline.

Clinical Genetics DNA and cytogenetics Diagnostics Lab, Erasmus MC, Erasmus Medical Center
Classification: Likely benign. Review status: no assertion criteria provided. Collection method: clinical testing. Allele origin: germline. Affected: yes. Study: VKGL Data-share Consensus. Not counted in ClinVar's aggregate classification.

Clinical Genetics, Academic Medical Center
Classification: Likely benign. Review status: no assertion criteria provided. Collection method: clinical testing. Allele origin: germline. Affected: yes. Study: VKGL Data-share Consensus. Not counted in ClinVar's aggregate classification.

NM_005045.4(RELN):c.6939T>C (p.Ile2313=)

Gene: RELN (reelin; minus strand). Cytogenetic location: 7q22.1.
Variant type: single nucleotide variant.
Coding change: c.6939T>C on transcript NM_005045.4 (MANE Select); coding-DNA position 6939, T replaced by C.
Protein change: p.Ile2313=; no amino-acid change (isoleucine 2313 retained).
Molecular consequence: synonymous variant.
Genome position (GRCh38, 1-based): chr7:103,539,319, A>G on the plus strand (T>C on the coding strand, the complement: RELN is on the minus strand). VCF-style: chr7-103539319-A-G. GRCh37 (hg19) VCF-style: chr7-103179766-A-G.
Other names: c.6939T>C, p.Ile2313= (NM_173054.3).
Identifiers: ClinVar variation 212044 (VCV000212044.52), dbSNP rs113498433, ClinGen allele CA205868.